The following is an entry in ClinVar:

ClinVar aggregate classification (germline): Uncertain significance. Review status: criteria provided, multiple submitters, no conflicts (2 of 4 stars). 3 submissions from 3 submitters: Uncertain significance (3). Last evaluated 2025-03-17.

Conditions:
Juvenile polyposis syndrome (JPS). Identifiers: Orphanet 2929, MedGen C0345893, MONDO:0017380, OMIM 174900.
Hereditary cancer-predisposing syndrome. Also called: Hereditary neoplastic syndrome; Neoplastic Syndromes, Hereditary; Tumor predisposition; Hereditary Cancer Syndrome. Identifiers: Orphanet 140162, MedGen C0027672, MeSH D009386, MONDO:0015356.
Familial thoracic aortic aneurysm and aortic dissection (TAAD). Also called: Thoracic aortic aneurysms and dissections. Identifiers: Orphanet 91387, MedGen C4707243, MONDO:0019625.

Submissions (3):

Ambry Genetics
Classification: Uncertain significance for Hereditary cancer-predisposing syndrome; Familial thoracic aortic aneurysm and aortic dissection. Last evaluated: 2025-03-17. Review status: criteria provided, single submitter. Criteria: Ambry Variant Classification Scheme 2023. Collection method: clinical testing. Allele origin: germline.
Comment: The p.P215A variant (also known as c.643C>G), located in coding exon 4 of the SMAD4 gene, results from a C to G substitution at nucleotide position 643. The proline at codon 215 is replaced by alanine, an amino acid with highly similar properties. This amino acid position is highly conserved in available vertebrate species. In addition, the in silico prediction for this alteration is inconclusive. Since supporting evidence is limited at this time, the clinical significance of this alteration remains unclear.

Quest Diagnostics Nichols Institute San Juan Capistrano
Classification: Uncertain significance. Last evaluated: 2024-08-23. Review status: criteria provided, single submitter. Criteria: Quest Diagnostics criteria. Collection method: clinical testing. Allele origin: unknown.
Comment: The SMAD4 c.643C>G (p.Pro215Ala) variant has not been reported in individuals with SMAD4-related conditions in the published literature. It also has not been reported in large, multi-ethnic general populations (Genome Aggregation Database). Analysis of this variant using bioinformatics tools for the prediction of the effect of amino acid changes on protein structure and function yielded predictions that this variant is benign. Based on the available information, we are unable to determine the clinical significance of this variant.

Labcorp Genetics (formerly Invitae), Labcorp
Classification: Uncertain significance for Juvenile polyposis syndrome. Last evaluated: 2020-06-01. Review status: criteria provided, single submitter. Criteria: Invitae Variant Classification Sherloc (09022015). Collection method: clinical testing. Allele origin: germline.
Comment: This variant is not present in population databases (ExAC no frequency). In summary, the available evidence is currently insufficient to determine the role of this variant in disease. Therefore, it has been classified as a Variant of Uncertain Significance. Algorithms developed to predict the effect of missense changes on protein structure and function (SIFT, PolyPhen-2, Align-GVGD) all suggest that this variant is likely to be tolerated, but these predictions have not been confirmed by published functional studies and their clinical significance is uncertain. This variant has not been reported in the literature in individuals with SMAD4-related conditions. This sequence change replaces proline with alanine at codon 215 of the SMAD4 protein (p.Pro215Ala). The proline residue is moderately conserved and there is a small physicochemical difference between proline and alanine.

NM_005359.6(SMAD4):c.643C>G (p.Pro215Ala)

Gene: SMAD4 (SMAD family member 4; plus strand). Cytogenetic location: 18q21.2.
Variant type: single nucleotide variant.
Coding change: c.643C>G on transcript NM_005359.6 (MANE Select); coding-DNA position 643, C replaced by G.
Protein change: p.Pro215Ala; replaces proline 215 with alanine.
Molecular consequence: missense variant.
Genome position (GRCh38, 1-based): chr18:51,054,969, C>G. VCF-style: chr18-51054969-C-G. GRCh37 (hg19) VCF-style: chr18-48581339-C-G.
Other names: short protein forms P215A.
Identifiers: ClinVar variation 1042243 (VCV001042243.11), dbSNP rs1064793270, ClinGen allele CA402461282.